The following is an entry in ClinVar:

NM_000321.3(RB1):c.889A>C (p.Ile297Leu)

Gene: RB1 (RB transcriptional corepressor 1; plus strand). Cytogenetic location: 13q14.2.
Variant type: single nucleotide variant.
Coding change: c.889A>C on transcript NM_000321.3 (MANE Select); coding-DNA position 889, A replaced by C.
Protein change: p.Ile297Leu; replaces isoleucine 297 with leucine.
Molecular consequence: missense variant.
Genome position (GRCh38, 1-based): chr13:48,364,921, A>C. VCF-style: chr13-48364921-A-C. GRCh37 (hg19) VCF-style: chr13-48939057-A-C.
Other names: c.889A>C, p.Ile297Leu (NM_001407165.1, NM_001407166.1); short protein forms I297L.
Identifiers: ClinVar variation 2725813 (VCV002725813.3), dbSNP rs1286975378, ClinGen allele CA388159937.

ClinVar aggregate classification (germline): Uncertain significance (1 of 4 stars; one submission).

Conditions:
Retinoblastoma (RB1). Also called: RETINOBLASTOMA, SOMATIC. Identifiers: Orphanet 790, MedGen C0035335, MeSH D012175, MONDO:0008380, OMIM 180200, HP:0009919. Disease mechanism: loss of function. Inheritance: Both sporadic and heritable forms are tested..

Submission:

Labcorp Genetics (formerly Invitae), Labcorp
Classification: Uncertain significance for Retinoblastoma. Last evaluated: 2023-06-23. Review status: criteria provided, single submitter. Criteria: Invitae Variant Classification Sherloc (09022015). Collection method: clinical testing. Allele origin: germline.
Comment: This sequence change replaces isoleucine, which is neutral and non-polar, with leucine, which is neutral and non-polar, at codon 297 of the RB1 protein (p.Ile297Leu). This variant is not present in population databases (gnomAD no frequency). This variant has not been reported in the literature in individuals affected with RB1-related conditions. Advanced modeling of protein sequence and biophysical properties (such as structural, functional, and spatial information, amino acid conservation, physicochemical variation, residue mobility, and thermodynamic stability) performed at Invitae indicates that this missense variant is not expected to disrupt RB1 protein function. In summary, the available evidence is currently insufficient to determine the role of this variant in disease. Therefore, it has been classified as a Variant of Uncertain Significance.